The following is an entry in ClinVar:

NM_002224.4(ITPR3):c.5688C>A (p.Asn1896Lys)

Gene: ITPR3 (inositol 1,4,5-trisphosphate receptor type 3; plus strand). Cytogenetic location: 6p21.31.
Variant type: single nucleotide variant.
Coding change: c.5688C>A on transcript NM_002224.4 (MANE Select); coding-DNA position 5688, C replaced by A.
Protein change: p.Asn1896Lys; replaces asparagine 1896 with lysine.
Molecular consequence: missense variant.
Genome position (GRCh38, 1-based): chr6:33,686,073, C>A. VCF-style: chr6-33686073-C-A. GRCh37 (hg19) VCF-style: chr6-33653850-C-A.
Other names: short protein forms N1896K.
Identifiers: ClinVar variation 1316989 (VCV001316989.2), dbSNP rs1765221518, ClinGen allele CA363709500.

ClinVar aggregate classification (germline): Uncertain significance (1 of 4 stars; one submission).

Allele frequency attached by ClinVar (database versions not stated): TOPMed below 0.00001.

Submission:

GeneDx
Classification: Uncertain significance. Last evaluated: 2019-06-25. Review status: criteria provided, single submitter. Criteria: GeneDx Variant Classification Process June 2021. Collection method: clinical testing. Allele origin: germline. Affected: yes.
Comment: Not observed in large population cohorts (Lek et al., 2016); In silico analysis, which includes protein predictors and evolutionary conservation, supports a deleterious effect; Has not been previously published as pathogenic or benign to our knowledge; Variants in candidate genes are classified as variants of uncertain significance in accordance with ACMG guidelines (Richards et al., 2015)